The following is an entry in ClinVar:

ClinVar aggregate classification (germline): Uncertain significance (1 of 4 stars; one submission).

Allele frequency attached by ClinVar (database versions not stated): ExAC 0.00003.
gnomAD v4.1: 14 of 1,614,014 alleles (0.00087%); highest among the groups gnomAD compares: East Asian, 0.016%; no homozygotes.

Submission:

Labcorp Genetics (formerly Invitae), Labcorp
Classification: Uncertain significance. Last evaluated: 2025-06-20. Review status: criteria provided, single submitter. Criteria: Invitae Variant Classification Sherloc (09022015). Collection method: clinical testing. Allele origin: germline.
Comment: This sequence change replaces threonine, which is neutral and polar, with isoleucine, which is neutral and non-polar, at codon 1768 of the DCHS1 protein (p.Thr1768Ile). This variant is present in population databases (rs771867213, gnomAD 0.04%). This variant has not been reported in the literature in individuals affected with DCHS1-related conditions. ClinVar contains an entry for this variant (Variation ID: 1387450). Invitae Evidence Modeling of protein sequence and biophysical properties (such as structural, functional, and spatial information, amino acid conservation, physicochemical variation, residue mobility, and thermodynamic stability) indicates that this missense variant is not expected to disrupt DCHS1 protein function with a negative predictive value of 95%. In summary, the available evidence is currently insufficient to determine the role of this variant in disease. Therefore, it has been classified as a Variant of Uncertain Significance.

NM_003737.4(DCHS1):c.5303C>T (p.Thr1768Ile)

Gene: DCHS1 (dachsous cadherin-related 1; minus strand). Cytogenetic location: 11p15.4.
Variant type: single nucleotide variant.
Coding change: c.5303C>T on transcript NM_003737.4 (MANE Select); coding-DNA position 5303, C replaced by T.
Protein change: p.Thr1768Ile; replaces threonine 1768 with isoleucine.
Molecular consequence: missense variant.
Genome position (GRCh38, 1-based): chr11:6,628,689, G>A on the plus strand (C>T on the coding strand, the complement: DCHS1 is on the minus strand). VCF-style: chr11-6628689-G-A. GRCh37 (hg19) VCF-style: chr11-6649920-G-A.
Other names: short protein forms T1768I.
Identifiers: ClinVar variation 1387450 (VCV001387450.6), dbSNP rs771867213, ClinGen allele CA5860123.